The following is an entry in ClinVar:

NM_001277115.2(DNAH11):c.7916G>C (p.Arg2639Thr)

Gene: DNAH11 (dynein axonemal heavy chain 11; plus strand). Cytogenetic location: 7p15.3.
Variant type: single nucleotide variant.
Coding change: c.7916G>C on transcript NM_001277115.2 (MANE Select); coding-DNA position 7916, G replaced by C.
Protein change: p.Arg2639Thr; replaces arginine 2639 with threonine.
Molecular consequence: missense variant.
Genome position (GRCh38, 1-based): chr7:21,741,928, G>C. VCF-style: chr7-21741928-G-C. GRCh37 (hg19) VCF-style: chr7-21781546-G-C.
Other names: short protein forms R2639T.
Identifiers: ClinVar variation 947440 (VCV000947440.12), dbSNP rs763451137, ClinGen allele CA4181423.

ClinVar aggregate classification (germline): Uncertain significance. Review status: criteria provided, multiple submitters, no conflicts (2 of 4 stars). 3 submissions from 3 submitters: Uncertain significance (3). Last evaluated 2025-06-27.

Conditions:
DNAH11-related disorder. Also called: DNAH11-related condition.
Primary ciliary dyskinesia. Also called: Ciliary dyskinesia. Identifiers: Orphanet 244, MedGen C0008780, MONDO:0016575, HP:0012265.

Allele frequency attached by ClinVar (database versions not stated): gnomAD exomes below 0.00001; TOPMed below 0.00001; ExAC 0.00001; gnomAD 0.00001.
gnomAD v4.1: 2 of 1,613,228 alleles (0.00012%); highest among the groups gnomAD compares: African/African-American, 0.0027%; no homozygotes.

Submissions (3):

PreventionGenetics, part of Exact Sciences
Classification: Uncertain significance for DNAH11-related condition. Last evaluated: 2025-06-27. Review status: criteria provided, single submitter. Criteria: ACMG Guidelines, 2015. Collection method: clinical testing. Allele origin: germline.
Comment: The DNAH11 c.7916G>C variant is predicted to result in the amino acid substitution p.Arg2639Thr. To our knowledge, this variant has not been reported in the literature. This variant is reported in 0.0065% of alleles in individuals of African descent in gnomAD. At this time, the clinical significance of this variant is uncertain due to the absence of conclusive functional and genetic evidence.

Labcorp Genetics (formerly Invitae), Labcorp
Classification: Uncertain significance for Primary ciliary dyskinesia. Last evaluated: 2025-06-23. Review status: criteria provided, single submitter. Criteria: Invitae Variant Classification Sherloc (09022015). Collection method: clinical testing. Allele origin: germline.
Comment: This sequence change replaces arginine, which is basic and polar, with threonine, which is neutral and polar, at codon 2639 of the DNAH11 protein (p.Arg2639Thr). This variant is present in population databases (rs763451137, gnomAD 0.007%). This missense change has been observed in individual(s) with clinical features of DNAH11-related conditions (internal data). ClinVar contains an entry for this variant (Variation ID: 947440). An algorithm developed to predict the effect of missense changes on protein structure and function (PolyPhen-2) suggests that this variant is likely to be disruptive. In summary, the available evidence is currently insufficient to determine the role of this variant in disease. Therefore, it has been classified as a Variant of Uncertain Significance.

GeneDx
Classification: Uncertain significance. Last evaluated: 2024-04-29. Review status: criteria provided, single submitter. Criteria: GeneDx Variant Classification Process June 2021. Collection method: clinical testing. Allele origin: germline. Affected: yes.
Comment: Not observed at significant frequency in large population cohorts (gnomAD); In silico analysis supports that this missense variant has a deleterious effect on protein structure/function; Has not been previously published as pathogenic or benign to our knowledge